The following is an entry in ClinVar:

ClinVar aggregate classification (germline): Uncertain significance. Review status: criteria provided, multiple submitters, no conflicts (2 of 4 stars). 2 submissions from 2 submitters: Uncertain significance (2). Last evaluated 2022-12-21.

Conditions:
Inborn genetic diseases. Identifiers: MedGen C0950123, MeSH D030342.

Allele frequency attached by ClinVar (database versions not stated): TOPMed below 0.00001; gnomAD 0.00001; ExAC 0.00003.
gnomAD v4.1: 17 of 1,611,284 alleles (0.0011%); highest among the groups gnomAD compares: Non-Finnish European, 0.0014%; no homozygotes.

Submissions (2):

Ambry Genetics
Classification: Uncertain significance for Inborn genetic diseases. Last evaluated: 2022-12-21. Review status: criteria provided, single submitter. Criteria: Ambry Variant Classification Scheme 2023. Collection method: clinical testing. Allele origin: germline.

Labcorp Genetics (formerly Invitae), Labcorp
Classification: Uncertain significance. Last evaluated: 2022-09-13. Review status: criteria provided, single submitter. Criteria: Invitae Variant Classification Sherloc (09022015). Collection method: clinical testing. Allele origin: germline.
Comment: This sequence change replaces valine, which is neutral and non-polar, with isoleucine, which is neutral and non-polar, at codon 63 of the HTRA2 protein (p.Val63Ile). This variant is present in population databases (rs756256747, gnomAD 0.003%). This variant has not been reported in the literature in individuals affected with HTRA2-related conditions. ClinVar contains an entry for this variant (Variation ID: 1361285). Algorithms developed to predict the effect of missense changes on protein structure and function (SIFT, PolyPhen-2, Align-GVGD) all suggest that this variant is likely to be tolerated. In summary, the available evidence is currently insufficient to determine the role of this variant in disease. Therefore, it has been classified as a Variant of Uncertain Significance.

NM_013247.5(HTRA2):c.187G>A (p.Val63Ile)

Gene: HTRA2 (HtrA serine peptidase 2; plus strand). Cytogenetic location: 2p13.1.
Variant type: single nucleotide variant.
Coding change: c.187G>A on transcript NM_013247.5 (MANE Select); coding-DNA position 187, G replaced by A.
Protein change: p.Val63Ile; replaces valine 63 with isoleucine.
Molecular consequence: missense variant. On other transcripts: non-coding transcript variant (1).
Genome position (GRCh38, 1-based): chr2:74,530,193, G>A. VCF-style: chr2-74530193-G-A. GRCh37 (hg19) VCF-style: chr2-74757320-G-A.
Other names: c.187G>A, p.Val63Ile (NM_001321727.1, NM_001321728.1, NM_145074.2); c.187G>A (NM_013247.4); short protein forms V63I.
Identifiers: ClinVar variation 1361285 (VCV001361285.6), dbSNP rs756256747, ClinGen allele CA1728294.